The following is an entry in ClinVar:

ClinVar aggregate classification (germline): Uncertain significance. Review status: criteria provided, multiple submitters, no conflicts (2 of 4 stars). 2 submissions from 2 submitters: Uncertain significance (2). Last evaluated 2026-02-07.

Conditions:
PTCH1-related disorder. Also called: PTCH1-related disorders; PTCH1-related condition.
Hereditary cancer-predisposing syndrome. Also called: Hereditary neoplastic syndrome; Neoplastic Syndromes, Hereditary; Tumor predisposition; Hereditary Cancer Syndrome. Identifiers: Orphanet 140162, MedGen C0027672, MeSH D009386, MONDO:0015356.

Allele frequency attached by ClinVar (database versions not stated): ESP Exome Variant Server 0.00008; ExAC 0.00001; gnomAD exomes 0.00001.
gnomAD v4.1: 15 of 1,612,522 alleles (0.00093%); highest among the groups gnomAD compares: Admixed American, 0.0067%; no homozygotes.

Submissions (2):

PreventionGenetics, part of Exact Sciences
Classification: Uncertain significance for PTCH1-related condition. Last evaluated: 2026-02-07. Review status: criteria provided, single submitter. Criteria: ACMG Guidelines, 2015. Collection method: clinical testing. Allele origin: germline.
Comment: The PTCH1 c.41C>T variant is predicted to result in the amino acid substitution p.Pro14Leu. To our knowledge, this variant has not been reported in the literature. This variant is reported in 0.0083% of alleles in individuals of African descent in gnomAD. This variant is interpreted as a variant of uncertain significance in ClinVar (Variation ID: 1692542). At this time, the clinical significance of this variant is uncertain due to the absence of conclusive functional and genetic evidence.

Sema4
Classification: Uncertain significance for Hereditary cancer-predisposing syndrome. Last evaluated: 2021-12-23. Review status: criteria provided, single submitter. Criteria: Sema4 Curation Guidelines. Collection method: curation. Allele origin: germline.
Comment: The PTCH1 c.41C>T (p.P14L) variant has not been reported in literature to our knowledge. It was observed in 4/277106 chromosomes among all subpopulations in the Genome Aggregation Database (PMID: 32461654). This variant has not been reported in ClinVar. Functional studies have not been performed, and in silico predictions of the variant's effect on protein function are inconclusive. The evidence is insufficient to meet ACMG/AMP criteria for classifying the variant as benign or pathogenic. Thus, the clinical significance of this variant is currently uncertain.

NM_001083603.3(PTCH1):c.41C>T (p.Pro14Leu)

Gene: PTCH1 (patched 1; minus strand). Cytogenetic location: 9q22.32.
Variant type: single nucleotide variant.
Coding change: c.41C>T on transcript NM_001083603.3 (MANE Plus Clinical); coding-DNA position 41, C replaced by T.
Protein change: p.Pro14Leu; replaces proline 14 with leucine.
Molecular consequence: missense variant. On other transcripts: 5 prime UTR variant (2).
Genome position (GRCh38, 1-based): chr9:95,516,780, G>A on the plus strand (C>T on the coding strand, the complement: PTCH1 is on the minus strand). VCF-style: chr9-95516780-G-A. GRCh37 (hg19) VCF-style: chr9-98279062-G-A.
Other names: c.-309C>T (NM_001083602.3, NM_001354919.2); short protein forms P14L.
Identifiers: ClinVar variation 1692542 (VCV001692542.3), dbSNP rs369865916, ClinGen allele CA5139127.